The following is an entry in ClinVar:

NM_000179.3(MSH6):c.2639A>G (p.Asp880Gly)

Gene: MSH6 (mutS homolog 6; plus strand). Cytogenetic location: 2p16.3.
Variant type: single nucleotide variant.
Coding change: c.2639A>G on transcript NM_000179.3 (MANE Select); coding-DNA position 2639, A replaced by G.
Protein change: p.Asp880Gly; replaces aspartic acid 880 with glycine.
Molecular consequence: missense variant. On other transcripts: non-coding transcript variant (5), intron variant (3).
Genome position (GRCh38, 1-based): chr2:47,800,622, A>G. VCF-style: chr2-47800622-A-G. GRCh37 (hg19) VCF-style: chr2-48027761-A-G.
Other names: c.2249A>G, p.Asp750Gly (NM_001281492.2); c.1733A>G, p.Asp578Gly (NM_001281493.2, NM_001281494.2, NM_001406823.1 and 6 more transcripts); c.2735A>G, p.Asp912Gly (NM_001406795.1, NM_001406802.1); c.2639A>G, p.Asp880Gly (NM_001406796.1, NM_001406798.1, NM_001406800.1 and 2 more transcripts); c.2342A>G, p.Asp781Gly (NM_001406797.1, NM_001406801.1, NM_001406805.1 and 10 more transcripts); c.2114A>G, p.Asp705Gly (NM_001406799.1, NM_001406806.1, NM_001406807.1); c.2561A>G, p.Asp854Gly (NM_001406804.1); c.2471A>G, p.Asp824Gly (NM_001406826.1); and 4 more; short protein forms D578G, D705G, D750G, D781G, D824G, D854G, D880G, D882G.
Identifiers: ClinVar variation 4860410 (VCV004860410.1).
Genomic context (GRCh38, chr2:47,800,622, plus strand): 5'-CTGCTCTGGAAGGATTCAAAGTAATGTGTAAAATTATAGGGATCATGGAAGAAGTTGCTG[A>G]TGGTTTTAAGTCTAAAATCCTTAAGCAGGTCATCTCTCTGCAGACAAAAAATCCTGAAGG-3'
Protein context (NP_000170.1, residues 870-890): KIIGIMEEVA[Asp880Gly]GFKSKILKQV

ClinVar aggregate classification (germline): Uncertain significance (1 of 4 stars; one submission).

Conditions:
Hereditary cancer-predisposing syndrome. Also called: Neoplastic Syndromes, Hereditary; Tumor predisposition; Hereditary Cancer Syndrome; Hereditary neoplastic syndrome. Identifiers: Orphanet 140162, MedGen C0027672, MeSH D009386, MONDO:0015356.

Submission:

Ambry Genetics
Classification: Uncertain significance for Hereditary cancer-predisposing syndrome. Last evaluated: 2026-05-13. Review status: criteria provided, single submitter. Criteria: Ambry Variant Classification Scheme 2023. Collection method: clinical testing. Allele origin: germline.
Comment: The p.D880G variant (also known as c.2639A>G), located in coding exon 4 of the MSH6 gene, results from an A to G substitution at nucleotide position 2639. The aspartic acid at codon 880 is replaced by glycine, an amino acid with similar properties. This amino acid position is not well conserved in available vertebrate species. In addition, this alteration is predicted to be tolerated by in silico analysis. Based on the available evidence, the clinical significance of this variant remains unclear.